The following is an entry in ClinVar:

NM_006734.4(HIVEP2):c.1049T>C (p.Leu350Pro)

Gene: HIVEP2 (HIVEP zinc finger 2; minus strand). Cytogenetic location: 6q24.2.
Variant type: single nucleotide variant.
Coding change: c.1049T>C on transcript NM_006734.4 (MANE Select); coding-DNA position 1049, T replaced by C.
Protein change: p.Leu350Pro; replaces leucine 350 with proline.
Molecular consequence: missense variant.
Genome position (GRCh38, 1-based): chr6:142,773,690, A>G on the plus strand (T>C on the coding strand, the complement: HIVEP2 is on the minus strand). VCF-style: chr6-142773690-A-G. GRCh37 (hg19) VCF-style: chr6-143094827-A-G.
Other names: short protein forms L350P.
Identifiers: ClinVar variation 3768459 (VCV003768459.1).

ClinVar aggregate classification (germline): Uncertain significance (1 of 4 stars; one submission).

Submission:

Women's Health and Genetics/Laboratory Corporation of America, LabCorp
Classification: Uncertain significance. Last evaluated: 2024-12-24. Review status: criteria provided, single submitter. Criteria: LabCorp Variant Classification Summary - May 2015. Collection method: clinical testing. Allele origin: germline.
Comment: Variant summary: HIVEP2 c.1049T>C (p.Leu350Pro) results in a non-conservative amino acid change in the encoded protein sequence. Three of five in-silico tools predict a damaging effect of the variant on protein function. The variant was absent in 249520 control chromosomes. The available data on variant occurrences in the general population are insufficient to allow any conclusion about variant significance. To our knowledge, no occurrence of c.1049T>C in individuals affected with Intellectual Disability, Autosomal Dominant 43 and no experimental evidence demonstrating its impact on protein function have been reported. No submitters have cited clinical-significance assessments for this variant to ClinVar. Based on the evidence outlined above, the variant was classified as uncertain significance.